The following is an entry in ClinVar:

ClinVar aggregate classification (germline): Uncertain significance (1 of 4 stars; one submission).

Submission:

Ambry Genetics
Classification: Uncertain significance. Last evaluated: 2022-09-25. Review status: criteria provided, single submitter. Criteria: Ambry Variant Classification Scheme 2023. Collection method: clinical testing. Allele origin: germline.
Comment: The p.Q2275P variant (also known as c.6824A>C), located in coding exon 51 of the PRKDC gene, results from an A to C substitution at nucleotide position 6824. The glutamine at codon 2275 is replaced by proline, an amino acid with similar properties. This amino acid position is conserved. In addition, the in silico prediction for this alteration is inconclusive. Since supporting evidence is limited at this time, the clinical significance of this alteration remains unclear.

NM_006904.7(PRKDC):c.6824A>C (p.Gln2275Pro)

Gene: PRKDC (protein kinase, DNA-activated, catalytic subunit; minus strand). Cytogenetic location: 8q11.21.
Variant type: single nucleotide variant.
Coding change: c.6824A>C on transcript NM_006904.7 (MANE Select); coding-DNA position 6824, A replaced by C.
Protein change: p.Gln2275Pro; replaces glutamine 2275 with proline.
Molecular consequence: missense variant.
Genome position (GRCh38, 1-based): chr8:47,854,152, T>G on the plus strand (A>C on the coding strand, the complement: PRKDC is on the minus strand). VCF-style: chr8-47854152-T-G. GRCh37 (hg19) VCF-style: chr8-48766713-T-G.
Other names: c.6824A>C, p.Gln2275Pro (NM_001081640.2); short protein forms Q2275P.
Identifiers: ClinVar variation 1755653 (VCV001755653.2), dbSNP rs2551869263, ClinGen allele CA371158501.
Genomic context (GRCh38, chr8:47,854,152, plus strand): 5'-TGGATGCCACACTGTGGGTCATAGGGAGGCAGGTCATTGGCCATCACGATGCCTAGCAAT[T>G]GAATCCCTACTGAGTTGTCTTTAGAATTAGGATCTTTACCGGAAAACTTTTCAAATATTA-3'
Protein context (NP_008835.5, residues 2265-2285): PNSKDNSVGI[Gln2275Pro]LLGIVMANDL